The following is an entry in ClinVar:

ClinVar aggregate classification (germline): Uncertain significance (1 of 4 stars; one submission).

Conditions:
Oligodontia-cancer predisposition syndrome. Also called: TOOTH AGENESIS-COLORECTAL CANCER SYNDROME. Identifiers: Orphanet 300576, MedGen C1837750, MONDO:0012075, OMIM 608615. Disease mechanism: loss of function.

Submission:

Labcorp Genetics (formerly Invitae), Labcorp
Classification: Uncertain significance for Oligodontia-cancer predisposition syndrome. Last evaluated: 2019-06-19. Review status: criteria provided, single submitter. Criteria: Invitae Variant Classification Sherloc (09022015). Collection method: clinical testing. Allele origin: germline.
Comment: In summary, the available evidence is currently insufficient to determine the role of this variant in disease. Therefore, it has been classified as a Variant of Uncertain Significance. Algorithms developed to predict the effect of missense changes on protein structure and function are either unavailable or do not agree on the potential impact of this missense change (SIFT: "Deleterious"; PolyPhen-2: "Probably Damaging"; Align-GVGD: "Class C0"). This variant has not been reported in the literature in individuals with AXIN2-related conditions. This variant is not present in population databases (ExAC no frequency). This sequence change replaces glutamic acid with glycine at codon 840 of the AXIN2 protein (p.Glu840Gly). The glutamic acid residue is highly conserved and there is a moderate physicochemical difference between glutamic acid and glycine.

NM_004655.4(AXIN2):c.2519A>G (p.Glu840Gly)

Gene: AXIN2 (axin 2; minus strand). Cytogenetic location: 17q24.1.
Variant type: single nucleotide variant.
Coding change: c.2519A>G on transcript NM_004655.4 (MANE Select); coding-DNA position 2519, A replaced by G.
Protein change: p.Glu840Gly; replaces glutamic acid 840 with glycine.
Molecular consequence: missense variant.
Genome position (GRCh38, 1-based): chr17:65,529,989, T>C on the plus strand (A>G on the coding strand, the complement: AXIN2 is on the minus strand). VCF-style: chr17-65529989-T-C. GRCh37 (hg19) VCF-style: chr17-63526107-T-C.
Other names: c.2324A>G, p.Glu775Gly (NM_001363813.1); short protein forms E775G, E840G.
Identifiers: ClinVar variation 945892 (VCV000945892.9), dbSNP rs2043789705, ClinGen allele CA400674733.